The following is an entry in ClinVar:

NM_000051.4(ATM):c.2414G>A (p.Arg805Gln)

Gene: ATM (ATM serine/threonine kinase; plus strand). Cytogenetic location: 11q22.3.
Variant type: single nucleotide variant.
Coding change: c.2414G>A on transcript NM_000051.4 (MANE Select); coding-DNA position 2414, G replaced by A.
Protein change: p.Arg805Gln; replaces arginine 805 with glutamine.
Molecular consequence: missense variant.
Genome position (GRCh38, 1-based): chr11:108,259,023, G>A. VCF-style: chr11-108259023-G-A. GRCh37 (hg19) VCF-style: chr11-108129750-G-A.
Other names: c.2414G>A, p.Arg805Gln (NM_001351834.2); short protein forms R805Q.
Identifiers: ClinVar variation 142128 (VCV000142128.42), dbSNP rs587782255, ClinGen allele CA167470.
Genomic context (GRCh38, chr11:108,259,023, plus strand): 5'-TTCTTTGTTTGTCTTAATTGCAGAAGAGTCCAAATAAGATTGCATCTGGCTTTTTCCTGC[G>A]ATTGTTAACATCAAAGCTAATGAATGACATTGCAGATATTTGTAAAAGTTTAGTAAGTAT-3'
Protein context (NP_000042.3, residues 795-815): PNKIASGFFL[Arg805Gln]LLTSKLMNDI

ClinVar aggregate classification (germline): Uncertain significance. Review status: criteria provided, multiple submitters, no conflicts (2 of 4 stars). 15 submissions from 15 submitters: Uncertain significance (12). 3 of the submissions do not count toward it. Last evaluated 2026-01-14.

Conditions:
Hereditary cancer-predisposing syndrome. Also called: Tumor predisposition; Hereditary Cancer Syndrome; Neoplastic Syndromes, Hereditary; Hereditary neoplastic syndrome. Identifiers: Orphanet 140162, MedGen C0027672, MeSH D009386, MONDO:0015356.
Familial cancer of breast. Also called: hereditary breast carcinoma; BREAST CANCER, FAMILIAL; Hereditary breast cancer. Identifiers: Orphanet 227535, MedGen C0346153, MONDO:0016419, OMIM 114480. Disease mechanism: loss of function.
Ataxia-telangiectasia syndrome (AT). Also called: Ataxia-telangiectasia, complementation group D; Ataxia-telangiectasia, complementation group E; LOUIS-BAR SYNDROME; Ataxia telangiectasia (A-T); AT, COMPLEMENTATION GROUP C; ATAXIA-TELANGIECTASIA, COMPLEMENTATION GROUP A. Identifiers: Orphanet 100, MedGen C0004135, MONDO:0008840, OMIM 208900.

Allele frequency attached by ClinVar (database versions not stated): ExAC 0.00003; gnomAD exomes 0.00003.
gnomAD v4.1: 16 of 1,613,744 alleles (0.00099%); highest among the groups gnomAD compares: South Asian, 0.0077%; no homozygotes.

Submissions (15):

GeneDx
Classification: Uncertain significance. Last evaluated: 2026-01-14. Review status: criteria provided, single submitter. Criteria: GeneDx Variant Classification Process June 2021. Collection method: clinical testing. Allele origin: germline. Affected: yes.
Comment: Observed in individuals with breast or prostate cancer, but also seen in unaffected controls (PMID: 17393301, 19781682, 25186627, 33436325, 33471991); In silico analysis suggests that this missense variant does not alter protein structure/function; This variant is associated with the following publications: (PMID: 25186627, 17393301, 20224443, 19781682, 27311873, 30197789, 33436325, 33471991)

Ambry Genetics
Classification: Uncertain significance for Hereditary cancer-predisposing syndrome. Last evaluated: 2025-06-06. Review status: criteria provided, single submitter. Criteria: Ambry Variant Classification Scheme 2023. Collection method: clinical testing. Allele origin: germline.
Comment: The p.R805Q variant (also known as c.2414G>A), located in coding exon 15 of the ATM gene, results from a G to A substitution at nucleotide position 2414. The arginine at codon 805 is replaced by glutamine, an amino acid with highly similar properties. This variant has been previously detected in breast cancer patients (Tavtigian SV et al. Am. J. Hum. Genet. 2009 Oct;85:427-46; Tung N et al. Cancer, 2015 Jan;121:25-33). This variant has also been reported in 1/5560 prostate cancer cases and in 0/3353 controls of European ancestry (Karlsson Q et al. Eur Urol Oncol, 2021 08;4:570-579). This alteration has been reported in the germline of 1 of 8,920 ethnically matched normal population control subjects but was not seen in 516 samples from a study of chronic lymphocytic leukemia patients of European descent (Tiao G et al. Leukemia, 2017 10;31:2244-2247). This amino acid position is highly conserved in available vertebrate species. In addition, the in silico prediction for this alteration is inconclusive. Based on the available evidence, the clinical significance of this variant remains unclear.

Women's Health and Genetics/Laboratory Corporation of America, LabCorp
Classification: Uncertain significance. Last evaluated: 2025-05-08. Review status: criteria provided, single submitter. Criteria: LabCorp Variant Classification Summary - May 2015. Collection method: clinical testing. Allele origin: germline.
Comment: Variant summary: ATM c.2414G>A (p.Arg805Gln) results in a conservative amino acid change in the encoded protein sequence. Algorithms developed to predict the effect of missense changes on protein structure and function all suggest that this variant is likely to be tolerated. The variant allele was found at a frequency of 2.8e-05 in 251236 control chromosomes. The available data on variant occurrences in the general population are insufficient to allow any conclusion about variant significance. c.2414G>A has been reported in the literature in individuals affected with breast cancer and prostate cancer (e.g. Broeks_2008, Tavtigian_2009, Tung_2015, Karlsson_2021). These reports do not provide unequivocal conclusions about association of the variant with breast or prostate cancer. To our knowledge, no experimental evidence demonstrating an impact on protein function has been reported. The following publications have been ascertained in the context of this evaluation (PMID: 17393301, 33436325, 19781682, 25186627). ClinVar contains an entry for this variant (Variation ID: 142128). Based on the evidence outlined above, the variant was classified as uncertain significance.

Labcorp Genetics (formerly Invitae), Labcorp
Classification: Uncertain significance for Ataxia-telangiectasia syndrome. Last evaluated: 2025-01-23. Review status: criteria provided, single submitter. Criteria: Invitae Variant Classification Sherloc (09022015). Collection method: clinical testing. Allele origin: germline.
Comment: This sequence change replaces arginine, which is basic and polar, with glutamine, which is neutral and polar, at codon 805 of the ATM protein (p.Arg805Gln). This variant is present in population databases (rs587782255, gnomAD 0.02%). This missense change has been observed in individual(s) with breast cancer and prostate cancer (PMID: 17393301, 19781682, 33436325). ClinVar contains an entry for this variant (Variation ID: 142128). Invitae Evidence Modeling of protein sequence and biophysical properties (such as structural, functional, and spatial information, amino acid conservation, physicochemical variation, residue mobility, and thermodynamic stability) indicates that this missense variant is not expected to disrupt ATM protein function with a negative predictive value of 95%. In summary, the available evidence is currently insufficient to determine the role of this variant in disease. Therefore, it has been classified as a Variant of Uncertain Significance.

KCCC/NGS Laboratory, Kuwait Cancer Control Center
Classification: Uncertain significance for Familial cancer of breast. Last evaluated: 2025-01-20. Review status: criteria provided, single submitter. Criteria: ACMG Guidelines, 2015. Collection method: clinical testing. Allele origin: germline. Inheritance: Autosomal dominant inheritance. Affected: yes. Observed: 1 heterozygote.
Comment: This sequence change replaces arginine, which is basic and polar, with glutamine, which is neutral and polar, at codon 805 of the ATM protein (p.Arg805Gln). This amino acid position is highly conserved. This variant is present in population databases (rs587782255, gnomAD 0.02%). This missense change has been observed in individual(s) with breast cancer and prostate cancer (PMID: 17393301, 19781682, 33436325). ClinVar contains an entry for this variant (Variation ID: 142128). n addition, the in silico prediction for this alteration is inconclusive.. In summary, the available evidence is currently insufficient to determine the role of this variant in disease. Therefore, it has been classified as a Variant of Uncertain Significance. Heterozygous pathogenic/likely pathogenic mutations in the ATM gene are associated with susceptibility to breast cancer (OMIM 114480 ).

Baylor Genetics
Classification: Uncertain significance for Familial cancer of breast. Last evaluated: 2024-02-22. Review status: criteria provided, single submitter. Criteria: ACMG Guidelines, 2015. Collection method: clinical testing. Allele origin: unknown.

Color Diagnostics, LLC DBA Color Health
Classification: Uncertain significance for Hereditary cancer-predisposing syndrome. Last evaluated: 2023-12-11. Review status: criteria provided, single submitter. Criteria: ACMG Guidelines, 2015. Collection method: clinical testing. Allele origin: germline.
Comment: This missense variant replaces arginine with glutamine at codon 805 of the ATM protein. Computational prediction suggests that this variant may not impact protein structure and function. To our knowledge, functional studies have not been reported for this variant. In a large international case-control study, this variant was reported in 0/60466 breast cancer cases and 4/53457 controls (PMID: 33471991). This variant has been reported in several individuals affected with breast cancer (PMID: 17393301, 19781682). This variant has been identified in 7/251236 chromosomes in the general population by the Genome Aggregation Database (gnomAD). The available evidence is insufficient to determine the role of this variant in disease conclusively. Therefore, this variant is classified as a Variant of Uncertain Significance.

Athena Diagnostics
Classification: Uncertain significance. Last evaluated: 2023-09-19. Review status: criteria provided, single submitter. Criteria: Athena Diagnostics Criteria. Collection method: clinical testing. Allele origin: unknown.
Comment: Available data are insufficient to determine the clinical significance of the variant at this time. The frequency of this variant in the general population is uninformative in assessment of its pathogenicity. Computational tools predict that this variant is not damaging.

Blueprint Genetics
Classification: Uncertain significance. Last evaluated: 2022-10-18. Review status: criteria provided, single submitter. Criteria: ACMG Guidelines, 2015. Collection method: clinical testing. Allele origin: germline.

Fulgent Genetics
Classification: Uncertain significance for Familial cancer of breast; Ataxia-telangiectasia syndrome. Last evaluated: 2021-07-27. Review status: criteria provided, single submitter. Criteria: ACMG Guidelines, 2015. Collection method: clinical testing. Allele origin: unknown.

Department of Pathology and Laboratory Medicine, Sinai Health System
Classification: Uncertain significance for Familial cancer of breast. Last evaluated: 2020-06-02. Review status: criteria provided, single submitter. Criteria: ACMG Guidelines, 2015. Collection method: clinical testing. Allele origin: germline. Affected: yes.

Neuberg Centre For Genomic Medicine, NCGM
Classification: Uncertain significance for Familial cancer of breast. Review status: criteria provided, single submitter. Criteria: ACMG Guidelines, 2015. Collection method: clinical testing. Allele origin: germline. Inheritance: Autosomal dominant inheritance. Affected: yes.
Comment: The missense variant in c.2414G>A (p.Arg805Gln) in ATM gene has not been reported previously as a pathogenic variant nor as a benign variant, to our knowledge. The p.Arg805Gln variant is reported with the allele frequency of 0.002786% in gnomAD and is novel (not in any individuals) in 1000 Genomes. This variant has been reported to the ClinVar database as uncertain significance. The amino acid Arg at position 805 is changed to a Gln changing protein sequence and it might alter its composition and physico-chemical properties. In silico tools predict the variant to be tolerated. The residue is conserved across species. The amino acid change p.Arg805Gln in ATM is predicted as conserved by GERP++ and PhyloP across 100 vertebrates. For these reasons, this variant has been classified as Uncertain Significance.

Natera, Inc.
Classification: Uncertain significance for Ataxia-telangiectasia. Last evaluated: 2020-03-17. Review status: no assertion criteria provided. Collection method: clinical testing. Allele origin: germline. Not counted in ClinVar's aggregate classification.

Clinical Genetics Laboratory, Department of Pathology, Netherlands Cancer Institute
Classification: Uncertain significance. Review status: no assertion criteria provided. Collection method: clinical testing. Allele origin: germline. Affected: yes. Study: VKGL Data-share Consensus. Not counted in ClinVar's aggregate classification.

Diagnostic Laboratory, Department of Genetics, University Medical Center Groningen
Classification: Uncertain significance. Review status: no assertion criteria provided. Collection method: clinical testing. Allele origin: germline. Affected: yes. Study: VKGL Data-share Consensus. Not counted in ClinVar's aggregate classification.

Literature cited by the submitters: PubMed 19781682 (cited by 6 submitters); PubMed 25186627 (cited by 4 submitters); PubMed 28652578 (cited by Ambry Genetics and Athena Diagnostics); PubMed 33436325 (cited by 4 submitters); PubMed 17393301 (cited by 5 submitters); PubMed 33471991 (cited by Color Diagnostics, LLC DBA Color Health).